The following is an entry in ClinVar:

ClinVar aggregate classification (germline): Uncertain significance. Review status: criteria provided, single submitter (1 of 4 stars). 2 submissions from 2 submitters: Uncertain significance (1). 1 of the submissions does not count toward it. Last evaluated 2022-05-03.

Conditions:
Long chain 3-hydroxyacyl-CoA dehydrogenase deficiency. Also called: LCHAD Deficiency; Deficiency of long-chain 3-hydroxyacyl-coenzyme A dehydrogenase. Identifiers: Orphanet 5, MedGen C3711645, MONDO:0012173, OMIM 609016.
Mitochondrial trifunctional protein deficiency. Identifiers: Orphanet 746, MedGen C1969443, MONDO:0012172.

Allele frequency attached by ClinVar (database versions not stated): ExAC 0.00001; gnomAD exomes 0.00001; gnomAD 0.00002; TOPMed 0.00003; ESP Exome Variant Server 0.00015.
gnomAD v4.1: 12 of 1,612,794 alleles (0.00074%); highest among the groups gnomAD compares: African/African-American, 0.011%; no homozygotes.

Submissions (2):

Labcorp Genetics (formerly Invitae), Labcorp
Classification: Uncertain significance for Mitochondrial trifunctional protein deficiency; Long chain 3-hydroxyacyl-CoA dehydrogenase deficiency. Last evaluated: 2022-05-03. Review status: criteria provided, single submitter. Criteria: Invitae Variant Classification Sherloc (09022015). Collection method: clinical testing. Allele origin: germline.
Comment: This sequence change falls in intron 7 of the HADHA gene. It does not directly change the encoded amino acid sequence of the HADHA protein. It affects a nucleotide within the consensus splice site. This variant is present in population databases (rs376306806, gnomAD 0.01%). This variant has not been reported in the literature in individuals affected with HADHA-related conditions. ClinVar contains an entry for this variant (Variation ID: 653490). Variants that disrupt the consensus splice site are a relatively common cause of aberrant splicing (PMID: 17576681, 9536098). Algorithms developed to predict the effect of sequence changes on RNA splicing suggest that this variant is not likely to affect RNA splicing. In summary, the available evidence is currently insufficient to determine the role of this variant in disease. Therefore, it has been classified as a Variant of Uncertain Significance.

Natera, Inc.
Classification: Uncertain significance for Deficiency of long-chain 3-hydroxyacyl-coenzyme A dehydrogenase. Last evaluated: 2020-08-15. Review status: no assertion criteria provided. Collection method: clinical testing. Allele origin: germline. Not counted in ClinVar's aggregate classification.

Literature cited by the submitters: PubMed 17576681 (cited by Labcorp Genetics (formerly Invitae), Labcorp); PubMed 9536098 (cited by Labcorp Genetics (formerly Invitae), Labcorp).

NM_000182.5(HADHA):c.677-3T>C

Gene: HADHA (hydroxyacyl-CoA dehydrogenase trifunctional multienzyme complex subunit alpha; minus strand). Cytogenetic location: 2p23.3.
Variant type: single nucleotide variant.
Coding change: c.677-3T>C on transcript NM_000182.5 (MANE Select); 3 bases into the intron before coding-DNA position 677, T replaced by C.
Molecular consequence: intron variant.
Genome position (GRCh38, 1-based): chr2:26,215,178, A>G on the plus strand (T>C on the coding strand, the complement: HADHA is on the minus strand). VCF-style: chr2-26215178-A-G. GRCh37 (hg19) VCF-style: chr2-26438047-A-G.
Identifiers: ClinVar variation 653490 (VCV000653490.4), dbSNP rs376306806, ClinGen allele CA1559809.